The following is an entry in ClinVar:

NM_033400.3(ZFHX2):c.3062G>A (p.Arg1021Gln)

Genes: THTPA (thiamine triphosphatase; plus strand), ZFHX2 (zinc finger homeobox 2; minus strand). Cytogenetic location: 14q11.2.
Variant type: single nucleotide variant.
Coding change: c.3062G>A on transcript NM_033400.3 (MANE Select); coding-DNA position 3062, G replaced by A.
Protein change: p.Arg1021Gln; replaces arginine 1021 with glutamine.
Molecular consequence: missense variant.
Genome position (GRCh38, 1-based): chr14:23,527,677, C>T on the plus strand (G>A on the coding strand, the complement: ZFHX2 is on the minus strand). VCF-style: chr14-23527677-C-T. GRCh37 (hg19) VCF-style: chr14-23996886-C-T.
Other names: short protein forms R1021Q.
Identifiers: ClinVar variation 2358309 (VCV002358309.4), dbSNP rs773248199, ClinGen allele CA257794881.

ClinVar aggregate classification (germline): Uncertain significance. Review status: criteria provided, multiple submitters, no conflicts (2 of 4 stars). 2 submissions from 2 submitters: Uncertain significance (2). Last evaluated 2026-04-27.

Allele frequency attached by ClinVar (database versions not stated): gnomAD 0.00005; TOPMed 0.00010; gnomAD exomes 0.00004.
gnomAD v4.1: 62 of 1,536,178 alleles (0.004%); highest among the groups gnomAD compares: Admixed American, 0.067%; no homozygotes.

Submissions (2):

Women's Health and Genetics/Laboratory Corporation of America, LabCorp
Classification: Uncertain significance. Last evaluated: 2026-04-27. Review status: criteria provided, single submitter. Criteria: LabCorp Variant Classification Summary - May 2015. Collection method: clinical testing. Allele origin: germline.
Comment: Variant summary: ZFHX2 c.3062G>A (p.Arg1021Gln) results in a conservative amino acid change in the encoded protein sequence. Algorithms developed to predict the effect of missense changes on protein structure and function are either unavailable or do not agree on the potential impact of this missense change. The variant allele was found at a frequency of 0.0002 in 137254 control chromosomes. This frequency is not significantly higher than estimated for disease-causing variants in ZFHX2, allowing no conclusion about variant significance. To our knowledge, no occurrence of c.3062G>A in individuals affected with ZFHX2-related conditions and no experimental evidence demonstrating its impact on protein function have been reported. ClinVar contains an entry for this variant (Variation ID: 2358309). Based on the evidence outlined above, the variant was classified as uncertain significance.

Ambry Genetics
Classification: Uncertain significance. Last evaluated: 2024-06-30. Review status: criteria provided, single submitter. Criteria: Ambry Variant Classification Scheme 2023. Collection method: clinical testing. Allele origin: germline.